The following is an entry in ClinVar:

ClinVar aggregate classification (germline): Uncertain significance (1 of 4 stars; one submission).

Conditions:
Skraban-Deardorff syndrome. Also called: WDR26-Related Intellectual Disability; INTELLECTUAL DISABILITY WITH SEIZURES, ABNORMAL GAIT, AND DISTINCTIVE FACIAL FEATURES. Identifiers: Orphanet 513456, MedGen C4539927, MONDO:0054636, OMIM 617616.

Submission:

MVZ Medizinische Genetik Mainz
Classification: Uncertain significance for Skraban-Deardorff syndrome. Last evaluated: 2025-10-02. Review status: criteria provided, single submitter. Criteria: UK Practice Guidelines For Variant Classification V4 01 2020. Collection method: clinical testing. Allele origin: germline. Inheritance: Autosomal dominant inheritance. Affected: yes. Observed: 1 variant allele.
Comment: ACMG Criteria: PP3_MOD,PM2_SUP,PP2

NM_001379403.1(WDR26):c.1781T>G (p.Leu594Trp)

Gene: WDR26 (WD repeat domain 26; minus strand). Cytogenetic location: 1q42.11.
Variant type: single nucleotide variant.
Coding change: c.1781T>G on transcript NM_001379403.1 (MANE Select); coding-DNA position 1781, T replaced by G.
Protein change: p.Leu594Trp; replaces leucine 594 with tryptophan.
Molecular consequence: missense variant.
Genome position (GRCh38, 1-based): chr1:224,398,973, A>C on the plus strand (T>G on the coding strand, the complement: WDR26 is on the minus strand). VCF-style: chr1-224398973-A-C. GRCh37 (hg19) VCF-style: chr1-224586675-A-C.
Other names: c.1433T>G, p.Leu478Trp (NM_001115113.3); c.1481T>G, p.Leu494Trp (NM_025160.7); short protein forms L478W, L494W, L594W.
Identifiers: ClinVar variation 4526556 (VCV004526556.1).